The following is an entry in ClinVar:

NM_000179.3(MSH6):c.999C>A (p.Thr333=)

Gene: MSH6 (mutS homolog 6; plus strand). Cytogenetic location: 2p16.3.
Variant type: single nucleotide variant.
Coding change: c.999C>A on transcript NM_000179.3 (MANE Select); coding-DNA position 999, C replaced by A.
Protein change: p.Thr333=; no amino-acid change (threonine 333 retained).
Molecular consequence: synonymous variant. On other transcripts: non-coding transcript variant (4), intron variant (1).
Genome position (GRCh38, 1-based): chr2:47,798,982, C>A. VCF-style: chr2-47798982-C-A. GRCh37 (hg19) VCF-style: chr2-48026121-C-A.
Other names: c.609C>A, p.Thr203= (NM_001281492.2); c.93C>A, p.Thr31= (NM_001281493.2, NM_001281494.2, NM_001406811.1 and 6 more transcripts); c.1095C>A, p.Thr365= (NM_001406795.1, NM_001406802.1); c.999C>A, p.Thr333= (NM_001406796.1, NM_001406798.1, NM_001406800.1 and 4 more transcripts); c.702C>A, p.Thr234= (NM_001406797.1, NM_001406801.1, NM_001406805.1 and 10 more transcripts); c.474C>A, p.Thr158= (NM_001406799.1, NM_001406806.1, NM_001406807.1); c.921C>A, p.Thr307= (NM_001406804.1); c.1005C>A, p.Thr335= (NM_001406813.1); and 2 more.
Identifiers: ClinVar variation 3904342 (VCV003904342.1).

ClinVar aggregate classification (germline): Benign (1 of 4 stars; one submission).

Conditions:
Lynch syndrome 5 (LYNCH5). Also called: Colorectal cancer, hereditary nonpolyposis, type 5; Hereditary non-polyposis colorectal cancer, type 5. Identifiers: Orphanet 144, MedGen C1833477, MONDO:0013710, OMIM 614350. Disease mechanism: loss of function.

Submission:

Myriad Genetics, Inc.
Classification: Benign for Lynch syndrome 5. Last evaluated: 2024-12-20. Review status: criteria provided, single submitter. Criteria: Myriad Autosomal Dominant, Autosomal Recessive and X-Linked Classification Criteria (2023). Collection method: clinical testing. Allele origin: unknown.
Comment: This variant is considered benign. This variant is a silent/synonymous amino acid change and it is not expected to impact splicing.